The following is an entry in ClinVar:

ClinVar aggregate classification (germline): Uncertain significance (1 of 4 stars; one submission).

Allele frequency attached by ClinVar (database versions not stated): TOPMed below 0.00001; gnomAD exomes 0.00001 and 0.00003; ExAC 0.00004.
gnomAD v4.1: 14 of 1,614,036 alleles (0.00087%); highest among the groups gnomAD compares: African/African-American, 0.004%; no homozygotes.

Submission:

GeneDx
Classification: Uncertain significance. Last evaluated: 2019-07-26. Review status: criteria provided, single submitter. Criteria: GeneDx Variant Classification Process June 2021. Collection method: clinical testing. Allele origin: germline. Affected: yes.
Comment: Not observed in large population cohorts (Lek et al., 2016); In silico analysis, which includes protein predictors and evolutionary conservation, supports a deleterious effect; This variant is associated with the following publications: (PMID: 27159321)

NM_020191.4(MRPS22):c.572G>A (p.Arg191Gln)

Gene: MRPS22 (mitochondrial ribosomal protein S22; plus strand). Cytogenetic location: 3q23.
Variant type: single nucleotide variant.
Coding change: c.572G>A on transcript NM_020191.4 (MANE Select); coding-DNA position 572, G replaced by A.
Protein change: p.Arg191Gln; replaces arginine 191 with glutamine.
Molecular consequence: missense variant.
Genome position (GRCh38, 1-based): chr3:139,350,246, G>A. VCF-style: chr3-139350246-G-A. GRCh37 (hg19) VCF-style: chr3-139069088-G-A.
Other names: c.449G>A, p.Arg150Gln (NM_001363857.1); c.569G>A, p.Arg190Gln (NM_001363893.1); short protein forms R150Q, R190Q, R191Q.
Identifiers: ClinVar variation 1318615 (VCV001318615.2), dbSNP rs768880732, ClinGen allele CA2640756.